The following is an entry in ClinVar:

NM_175053.4(KRT74):c.1534G>A (p.Asp512Asn)

Gene: KRT74 (keratin 74; minus strand). Cytogenetic location: 12q13.13.
Variant type: single nucleotide variant.
Coding change: c.1534G>A on transcript NM_175053.4 (MANE Select); coding-DNA position 1534, G replaced by A.
Protein change: p.Asp512Asn; replaces aspartic acid 512 with asparagine.
Molecular consequence: missense variant.
Genome position (GRCh38, 1-based): chr12:52,567,025, C>T on the plus strand (G>A on the coding strand, the complement: KRT74 is on the minus strand). VCF-style: chr12-52567025-C-T. GRCh37 (hg19) VCF-style: chr12-52960809-C-T.
Other names: short protein forms D512N.
Identifiers: ClinVar variation 3058228 (VCV003058228.3), dbSNP rs868619275, ClinGen allele CA237261548.

ClinVar aggregate classification (germline): Uncertain significance. Review status: criteria provided, single submitter (1 of 4 stars). 2 submissions from 2 submitters: Uncertain significance (1). 1 of the submissions does not count toward it. Last evaluated 2024-08-20.

Conditions:
KRT74-related disorder. Also called: KRT74-related condition.

Allele frequency attached by ClinVar (database versions not stated): gnomAD 0.00001; TOPMed 0.00002.
gnomAD v4.1: 31 of 1,604,024 alleles (0.0019%); highest among the groups gnomAD compares: Middle Eastern, 0.34%; 1 homozygote.

Submissions (2):

Ambry Genetics
Classification: Uncertain significance. Last evaluated: 2024-08-20. Review status: criteria provided, single submitter. Criteria: Ambry Variant Classification Scheme 2023. Collection method: clinical testing. Allele origin: germline.

PreventionGenetics, part of Exact Sciences
Classification: Uncertain significance for KRT74-related condition. Last evaluated: 2024-02-09. Review status: no assertion criteria provided. Collection method: clinical testing. Allele origin: germline. Not counted in ClinVar's aggregate classification.
Comment: The KRT74 c.1534G>A variant is predicted to result in the amino acid substitution p.Asp512Asn. To our knowledge, this variant has not been reported in the literature. This variant is reported in 0.0040% of alleles in individuals of African descent in gnomAD. At this time, the clinical significance of this variant is uncertain due to the absence of conclusive functional and genetic evidence.